The following is an entry in ClinVar:

NM_003038.5(SLC1A4):c.544A>C (p.Asn182His)

Gene: SLC1A4 (solute carrier family 1 member 4; plus strand). Cytogenetic location: 2p14.
Variant type: single nucleotide variant.
Coding change: c.544A>C on transcript NM_003038.5 (MANE Select); coding-DNA position 544, A replaced by C.
Protein change: p.Asn182His; replaces asparagine 182 with histidine.
Molecular consequence: missense variant. On other transcripts: 5 prime UTR variant (3).
Genome position (GRCh38, 1-based): chr2:65,001,464, A>C. VCF-style: chr2-65001464-A-C. GRCh37 (hg19) VCF-style: chr2-65228598-A-C.
Other names: c.-117A>C (NM_001193493.2, NM_001348406.2, NM_001348407.2); short protein forms N182H.
Identifiers: ClinVar variation 3372341 (VCV003372341.1).
Genomic context (GRCh38, chr2:65,001,464, plus strand): 5'-ATTGTTTTAAAAGAATACTGACAGAATGCTTTCTTTTCCAACAGAAACCTGTTTCCCTCC[A>C]ATCTTGTGGTTGCAGCTTTCCGTACGGTAAGGCTTGATACTTTGCTAAAAATATGAAACT-3'
Protein context (NP_003029.2, residues 172-192): LDLARNLFPS[Asn182His]LVVAAFRTYA

ClinVar aggregate classification (germline): Uncertain significance (1 of 4 stars; one submission).

Submission:

GeneDx
Classification: Uncertain significance. Last evaluated: 2024-04-29. Review status: criteria provided, single submitter. Criteria: GeneDx Variant Classification Process June 2021. Collection method: clinical testing. Allele origin: germline. Affected: yes.
Comment: Not observed at significant frequency in large population cohorts (gnomAD); In silico analysis supports that this missense variant has a deleterious effect on protein structure/function; Has not been previously published as pathogenic or benign to our knowledge